The following is an entry in ClinVar:

ClinVar aggregate classification (germline): Likely benign. Review status: criteria provided, multiple submitters, no conflicts (2 of 4 stars). 2 submissions from 2 submitters: Likely benign (2). Last evaluated 2026-07-01.

gnomAD v4.1: 64 of 1,611,218 alleles (0.004%); highest among the groups gnomAD compares: Non-Finnish European, 0.0052%; no homozygotes.

Submissions (2):

CeGaT Center for Human Genetics Tuebingen
Classification: Likely benign. Last evaluated: 2026-07-01. Review status: criteria provided, single submitter. Criteria: CeGaT Center For Human Genetics Tuebingen Variant Classification Criteria Version 2. Collection method: clinical testing. Allele origin: germline. Affected: yes. Observed: 1 variant allele.
Comment: POLR3K: BP4

Laboratory of Genetics, Children's Clinical University Hospital Latvia
Classification: Likely benign. Last evaluated: 2025-02-16. Review status: criteria provided, single submitter. Criteria: ACMG Guidelines, 2015. Collection method: clinical testing. Allele origin: germline. Affected: yes.

NM_016310.5(POLR3K):c.102C>T (p.Ile34=)

Gene: POLR3K (RNA polymerase III subunit K; minus strand). Cytogenetic location: 16p13.3.
Variant type: single nucleotide variant.
Coding change: c.102C>T on transcript NM_016310.5 (MANE Select); coding-DNA position 102, C replaced by T.
Protein change: p.Ile34=; no amino-acid change (isoleucine 34 retained).
Molecular consequence: synonymous variant.
Genome position (GRCh38, 1-based): chr16:53,485, G>A on the plus strand (C>T on the coding strand, the complement: POLR3K is on the minus strand). VCF-style: chr16-53485-G-A. GRCh37 (hg19) VCF-style: chr16-103485-G-A.
Identifiers: ClinVar variation 3911116 (VCV003911116.2).